The following is an entry in ClinVar:

ClinVar aggregate classification (germline): Uncertain significance. Review status: criteria provided, multiple submitters, no conflicts (2 of 4 stars). 2 submissions from 2 submitters: Uncertain significance (2). Last evaluated 2024-05-29.

Conditions:
Hereditary cancer-predisposing syndrome. Also called: Hereditary Cancer Syndrome; Tumor predisposition; Neoplastic Syndromes, Hereditary; Hereditary neoplastic syndrome. Identifiers: Orphanet 140162, MedGen C0027672, MeSH D009386, MONDO:0015356.
Familial cancer of breast. Also called: Hereditary breast cancer; BREAST CANCER, FAMILIAL; hereditary breast carcinoma. Identifiers: Orphanet 227535, MedGen C0346153, MONDO:0016419, OMIM 114480. Disease mechanism: loss of function.
Fanconi anemia complementation group J. Also called: BRIP1-Related Fanconi Anemia. Identifiers: Orphanet 84, MedGen C1836860, MONDO:0012187, OMIM 609054.

Submissions (2):

Labcorp Genetics (formerly Invitae), Labcorp
Classification: Uncertain significance for Familial cancer of breast; Fanconi anemia complementation group J. Last evaluated: 2024-05-29. Review status: criteria provided, single submitter. Criteria: Invitae Variant Classification Sherloc (09022015). Collection method: clinical testing. Allele origin: germline.
Comment: This sequence change replaces aspartic acid, which is acidic and polar, with glycine, which is neutral and non-polar, at codon 847 of the BRIP1 protein (p.Asp847Gly). This variant is not present in population databases (gnomAD no frequency). This variant has not been reported in the literature in individuals affected with BRIP1-related conditions. ClinVar contains an entry for this variant (Variation ID: 2102186). Advanced modeling of protein sequence and biophysical properties (such as structural, functional, and spatial information, amino acid conservation, physicochemical variation, residue mobility, and thermodynamic stability) performed at Invitae indicates that this missense variant is expected to disrupt BRIP1 protein function with a positive predictive value of 80%. In summary, the available evidence is currently insufficient to determine the role of this variant in disease. Therefore, it has been classified as a Variant of Uncertain Significance.

Ambry Genetics
Classification: Uncertain significance for Hereditary cancer-predisposing syndrome. Last evaluated: 2024-04-22. Review status: criteria provided, single submitter. Criteria: Ambry Variant Classification Scheme 2023. Collection method: clinical testing. Allele origin: germline.
Comment: The p.D847G variant (also known as c.2540A>G), located in coding exon 17 of the BRIP1 gene, results from an A to G substitution at nucleotide position 2540. The aspartic acid at codon 847 is replaced by glycine, an amino acid with similar properties. This amino acid position is conserved. In addition, this alteration is predicted to be deleterious by in silico analysis. Based on the available evidence, the clinical significance of this variant remains unclear.

NM_032043.3(BRIP1):c.2540A>G (p.Asp847Gly)

Gene: BRIP1 (BRCA1 interacting DNA helicase 1; minus strand). Cytogenetic location: 17q23.2.
Variant type: single nucleotide variant.
Coding change: c.2540A>G on transcript NM_032043.3 (MANE Select); coding-DNA position 2540, A replaced by G.
Protein change: p.Asp847Gly; replaces aspartic acid 847 with glycine.
Molecular consequence: missense variant.
Genome position (GRCh38, 1-based): chr17:61,693,465, T>C on the plus strand (A>G on the coding strand, the complement: BRIP1 is on the minus strand). VCF-style: chr17-61693465-T-C. GRCh37 (hg19) VCF-style: chr17-59770826-T-C.
Other names: short protein forms D847G.
Identifiers: ClinVar variation 2102186 (VCV002102186.5), dbSNP rs2144186266, ClinGen allele CA400482410.